The following is an entry in ClinVar:

ClinVar aggregate classification (germline): Pathogenic (1 of 4 stars; one submission).

Conditions:
Polycystic kidney disease 4 (PKD4). Also called: POLYCYSTIC KIDNEY AND HEPATIC DISEASE 1; POLYCYSTIC KIDNEY DISEASE, INFANTILE, TYPE I; POLYCYSTIC KIDNEY DISEASE 4 WITH OR WITHOUT POLYCYSTIC LIVER DISEASE; PKD3; Autosomal Recessive Polycystic Kidney Disease – PKHD1. Identifiers: MedGen C4540575, MONDO:0033004, OMIM 263200.

Submission:

Myriad Genetics, Inc.
Classification: Pathogenic for Polycystic kidney disease 4. Last evaluated: 2024-04-28. Review status: criteria provided, single submitter. Criteria: Myriad Autosomal Dominant, Autosomal Recessive and X-Linked Classification Criteria (2023). Collection method: clinical testing. Allele origin: unknown.
Comment: NM_138694.3(PKHD1):c.9758delA(N3253Ifs*11) is expected to be pathogenic in the context of autosomal recessive polycystic kidney disease, PKHD1-related. This variant is predicted to lead to an abnormal or absent protein product due to the creation of a premature termination codon in PKHD1, a gene where loss-of-function variants are known to be pathogenic. Please note: this variant was assessed in the context of healthy population screening.

NM_138694.4(PKHD1):c.9758del (p.Asn3253fs)

Gene: PKHD1 (PKHD1 ciliary IPT domain containing fibrocystin/polyductin; minus strand). Cytogenetic location: 6p12.3.
Variant type: Deletion.
Coding change: c.9758del on transcript NM_138694.4 (MANE Select); coding-DNA position 9758, one base deleted (A; older notation c.9758delA).
Protein change: p.Asn3253fs; shifts the reading frame from asparagine 3253.
Molecular consequence: frameshift variant.
Genome position (GRCh38, 1-based): chr6:51,747,858, T deleted on the plus strand (A on the coding strand, the reverse complement: PKHD1 is on the minus strand); the first of 3 consecutive T bases (chr6:51,747,858-51,747,860); deleting any one gives the same sequence. VCF-style (leftmost placement, unchanged base first): chr6-51747857-AT-A. GRCh37 (hg19) VCF-style: chr6-51612655-AT-A.
Other names: c.9758del, p.Asn3253fs (NM_170724.3); short protein forms N3253fs.
Identifiers: ClinVar variation 5012971 (VCV005012971.1).